The following is an entry in ClinVar:

ClinVar aggregate classification (germline): Uncertain significance (1 of 4 stars; one submission).

Conditions:
Malignant hyperthermia, susceptibility to, 1 (MHS1). Also called: Anesthesia related hyperthermia; Malignant hyperpyrexia; Fulminating hyperpyrexia; Pharmacogenic myopathy; RYR1-Related Malignant Hyperthermia Susceptibility; Malignant hyperthermia suceptibility 1. Identifiers: Orphanet 423, MedGen C2930980, MONDO:0007783, OMIM 145600.

Submission:

All of Us Research Program, National Institutes of Health
Classification: Uncertain significance for Malignant hyperthermia, susceptibility to, 1. Last evaluated: 2023-06-26. Review status: criteria provided, single submitter. Criteria: ACMG Guidelines, 2015. Collection method: clinical testing. Allele origin: germline. Inheritance: Autosomal dominant inheritance. Observed: 2 variant alleles, 2 heterozygotes.
Comment: This variant causes a G to A nucleotide substitution at the +6 position of intron 105 of the RYR1 gene. To our knowledge, RNA studies have not been reported for this variant. This variant has not been reported in individuals affected with RYR1-related disorders in the literature. This variant has not been identified in the general population by the Genome Aggregation Database (gnomAD). The available evidence is insufficient to determine the role of this variant in disease conclusively. Therefore, this variant is classified as a Variant of Uncertain Significance.

This study involves interpretation of variants in research participants for the purpose of population health screening. Participant phenotype was not available at the time of variant classification. Additional details can be found in publication PMID: 35346344, PMCID: PMC8962531

NM_000540.3(RYR1):c.15021+6G>A

Gene: RYR1 (ryanodine receptor 1; plus strand). Cytogenetic location: 19q13.2.
Variant type: single nucleotide variant.
Coding change: c.15021+6G>A on transcript NM_000540.3 (MANE Select); 6 bases into the intron after coding-DNA position 15021, G replaced by A.
Molecular consequence: intron variant.
Genome position (GRCh38, 1-based): chr19:38,586,582, G>A. VCF-style: chr19-38586582-G-A. GRCh37 (hg19) VCF-style: chr19-39077222-G-A.
Other names: c.15006+6G>A (NM_001042723.2).
Identifiers: ClinVar variation 3070757 (VCV003070757.1), dbSNP rs1230184429, ClinGen allele CA882056469.
Genomic context (GRCh38, chr19:38,586,582, plus strand): 5'-CAGGTTTTTCCTGATGTATTTGATAAACAAGGATGAGACAGAACACACGGGTCAGGTAAG[G>A]GGGTGTTAATGGGAGGACAGTGGGCAGGACGTGGAGCCCTTTAACATAAGGCCAGTCAGT-3'